The following is an entry in ClinVar:

ClinVar aggregate classification (germline): Likely pathogenic (1 of 4 stars; one submission).

Conditions:
Autosomal recessive limb-girdle muscular dystrophy type 2J (LGMDR10). Also called: Limb-girdle muscular dystrophy, type 2J; MUSCULAR DYSTROPHY, LIMB-GIRDLE, AUTOSOMAL RECESSIVE 10. Identifiers: Orphanet 140922, MedGen C1837342, MONDO:0012127, OMIM 608807.
Dilated cardiomyopathy 1G (CMD1G). Identifiers: Orphanet 154, MedGen C1858763, MONDO:0011400, OMIM 604145.

Submission:

Labcorp Genetics (formerly Invitae), Labcorp
Classification: Likely pathogenic for Dilated cardiomyopathy 1G; Autosomal recessive limb-girdle muscular dystrophy type 2J. Last evaluated: 2024-10-24. Review status: criteria provided, single submitter. Criteria: Invitae Variant Classification Sherloc (09022015). Collection method: clinical testing. Allele origin: germline.
Comment: This sequence change creates a premature translational stop signal (p.Ile21965Asnfs*18) in the TTN gene. While this is not anticipated to result in nonsense mediated decay, it is expected to create a truncated TTN protein. This variant is not present in population databases (gnomAD no frequency). This variant has not been reported in the literature in individuals affected with TTN-related conditions. This variant is located in the A band of TTN (PMID: 25589632). Truncating variants in this region are significantly overrepresented in patients affected with dilated cardiomyopathy (PMID: 25589632). Truncating variants in this region have also been reported in individuals affected with autosomal recessive centronuclear myopathy (PMID: 23975875). In summary, the currently available evidence indicates that the variant is pathogenic, but additional data are needed to prove that conclusively. Therefore, this variant has been classified as Likely Pathogenic.

Literature cited by the submitters: PubMed 25589632; PubMed 23975875.

NM_001267550.2(TTN):c.65893dup (p.Ile21965fs)

Genes: TTN (titin; minus strand), TTN-AS1 (TTN antisense RNA 1; plus strand). Cytogenetic location: 2q31.2.
Variant type: Duplication.
Coding change: c.65893dup on transcript NM_001267550.2 (MANE Select); coding-DNA position 65893, one base duplicated (A; older notation c.65893dupA).
Protein change: p.Ile21965fs; shifts the reading frame from isoleucine 21965.
Molecular consequence: frameshift variant.
Genome position (GRCh38, 1-based): chr2:178,582,563, T duplicated on the plus strand (A on the coding strand, the reverse complement: TTN is on the minus strand); the first of 4 consecutive T bases (chr2:178,582,563-178,582,566); duplicating any one gives the same sequence. VCF-style (leftmost placement, unchanged base first): chr2-178582562-A-AT. GRCh37 (hg19) VCF-style: chr2-179447289-A-AT.
Other names: c.60970dup, p.Ile20324fs (NM_001256850.1); c.38698dup, p.Ile12900fs (NM_003319.4); c.58189dup, p.Ile19397fs (NM_133378.4); c.39073dup, p.Ile13025fs (NM_133432.3); c.39274dup, p.Ile13092fs (NM_133437.4); short protein forms I12900fs, I13025fs, I13092fs, I19397fs, I20324fs, I21965fs.
Identifiers: ClinVar variation 3752251 (VCV003752251.2).